The following is an entry in ClinVar:

NM_032119.4(ADGRV1):c.4645T>C (p.Tyr1549His)

Gene: ADGRV1 (adhesion G protein-coupled receptor V1; plus strand). Cytogenetic location: 5q14.3.
Variant type: single nucleotide variant.
Coding change: c.4645T>C on transcript NM_032119.4 (MANE Select); coding-DNA position 4645, T replaced by C.
Protein change: p.Tyr1549His; replaces tyrosine 1549 with histidine.
Molecular consequence: missense variant. On other transcripts: non-coding transcript variant (1).
Genome position (GRCh38, 1-based): chr5:90,658,171, T>C. VCF-style: chr5-90658171-T-C. GRCh37 (hg19) VCF-style: chr5-89953988-T-C.
Other names: short protein forms Y1549H.
Identifiers: ClinVar variation 1493806 (VCV001493806.6), dbSNP rs762955065, ClinGen allele CA360404486.

ClinVar aggregate classification (germline): Uncertain significance (1 of 4 stars; one submission).

gnomAD v4.1: 1 of 1,599,572 alleles (0.000063%); highest among the groups gnomAD compares: Non-Finnish European, 0.000085%; no homozygotes.

Submission:

Labcorp Genetics (formerly Invitae), Labcorp
Classification: Uncertain significance. Last evaluated: 2022-05-21. Review status: criteria provided, single submitter. Criteria: Invitae Variant Classification Sherloc (09022015). Collection method: clinical testing. Allele origin: germline.
Comment: In summary, the available evidence is currently insufficient to determine the role of this variant in disease. Therefore, it has been classified as a Variant of Uncertain Significance. Algorithms developed to predict the effect of missense changes on protein structure and function output the following: SIFT: "Tolerated"; PolyPhen-2: "Benign"; Align-GVGD: "Class C0". The histidine amino acid residue is found in multiple mammalian species, which suggests that this missense change does not adversely affect protein function. This variant has not been reported in the literature in individuals affected with ADGRV1-related conditions. This variant is not present in population databases (gnomAD no frequency). This sequence change replaces tyrosine, which is neutral and polar, with histidine, which is basic and polar, at codon 1549 of the ADGRV1 protein (p.Tyr1549His).